The following is an entry in ClinVar:

ClinVar aggregate classification (germline): Pathogenic (1 of 4 stars; one submission).

Conditions:
Adams-Oliver syndrome 5 (AOS5). Identifiers: Orphanet 974, MedGen C4014970, MONDO:0014459, OMIM 616028.

Submission:

Labcorp Genetics (formerly Invitae), Labcorp
Classification: Pathogenic for Adams-Oliver syndrome 5. Last evaluated: 2021-06-06. Review status: criteria provided, single submitter. Criteria: Invitae Variant Classification Sherloc (09022015). Collection method: clinical testing. Allele origin: germline.
Comment: For these reasons, this variant has been classified as Pathogenic. This variant has not been reported in the literature in individuals with NOTCH1-related conditions. This variant is a gross deletion of the genomic region encompassing exon(s) 17-18 of the NOTCH1 gene. This deletion is out-of-frame, and is expected to create a premature translational stop signal and result in an absent or disrupted protein product. Loss-of-function variants in NOTCH1 are known to be pathogenic (PMID: 16025100, 21457232, 25132448, 25963545).

Literature cited by the submitters: PubMed 16025100; PubMed 21457232; PubMed 25132448; PubMed 25963545.

NC_000009.11:g.(?_139404165)_(139405277_?)del

Gene: NOTCH1 (notch receptor 1; minus strand). Cytogenetic location: 9q34.3.
Variant type: Deletion.
Identifiers: ClinVar variation 1456559 (VCV001456559.6).